The following is an entry in ClinVar:

ClinVar aggregate classification (germline): Uncertain significance (1 of 4 stars; one submission).

Allele frequency attached by ClinVar (database versions not stated): ExAC 0.00001; gnomAD 0.00001; gnomAD exomes 0.00001; TOPMed 0.00001.
gnomAD v4.1: 13 of 1,613,072 alleles (0.00081%); highest among the groups gnomAD compares: Non-Finnish European, 0.0011%; no homozygotes.

Submission:

Labcorp Genetics (formerly Invitae), Labcorp
Classification: Uncertain significance. Last evaluated: 2022-09-27. Review status: criteria provided, single submitter. Criteria: Invitae Variant Classification Sherloc (09022015). Collection method: clinical testing. Allele origin: germline.
Comment: In summary, the available evidence is currently insufficient to determine the role of this variant in disease. Therefore, it has been classified as a Variant of Uncertain Significance. Variants that disrupt the consensus splice site are a relatively common cause of aberrant splicing (PMID: 17576681, 9536098). Algorithms developed to predict the effect of sequence changes on RNA splicing suggest that this variant is not likely to affect RNA splicing. This variant has not been reported in the literature in individuals affected with TSPEAR-related conditions. This variant is present in population databases (rs781908192, gnomAD 0.0009%). This sequence change falls in intron 10 of the TSPEAR gene. It does not directly change the encoded amino acid sequence of the TSPEAR protein. It affects a nucleotide within the consensus splice site.

Literature cited by the submitters: PubMed 17576681; PubMed 9536098.

NM_144991.3(TSPEAR):c.1754+3A>G

Genes: TSPEAR (thrombospondin type laminin G domain and EAR repeats; minus strand), TSPEAR-AS1 (TSPEAR antisense RNA 1; plus strand), LOC126653398 (CDK7 strongly-dependent group 2 enhancer GRCh37_chr21:45928270-45929469; plus strand). Cytogenetic location: 21q22.3.
Variant type: single nucleotide variant.
Coding change: c.1754+3A>G on transcript NM_144991.3 (MANE Select); 3 bases into the intron after coding-DNA position 1754, A replaced by G.
Molecular consequence: intron variant.
Genome position (GRCh38, 1-based): chr21:44,509,196, T>C on the plus strand (A>G on the coding strand, the complement: TSPEAR is on the minus strand). VCF-style: chr21-44509196-T-C. GRCh37 (hg19) VCF-style: chr21-45929079-T-C.
Other names: c.1550+3A>G (NM_001272037.2).
Identifiers: ClinVar variation 1913255 (VCV001913255.5), dbSNP rs781908192, ClinGen allele CA10056394.